The following is an entry in ClinVar:

ClinVar aggregate classification (germline): Likely pathogenic. Review status: criteria provided, multiple submitters, no conflicts (2 of 4 stars). 3 submissions from 3 submitters: Likely pathogenic (3). Last evaluated 2026-09-24.

Conditions:
DNAH11-related disorder. Also called: DNAH11-related condition.
Primary ciliary dyskinesia 7. Also called: CILIARY DYSKINESIA, PRIMARY, 7, WITH OR WITHOUT SITUS INVERSUS. Identifiers: Orphanet 244, MedGen C2678473, MONDO:0012748, OMIM 611884.
Primary ciliary dyskinesia. Also called: Ciliary dyskinesia. Identifiers: Orphanet 244, MedGen C0008780, MONDO:0016575, HP:0012265.

Allele frequency attached by ClinVar (database versions not stated): gnomAD exomes below 0.00001.
gnomAD v4.1: 2 of 1,592,018 alleles (0.00013%); highest among the groups gnomAD compares: East Asian, 0.0045%; no homozygotes.

Submissions (3):

PreventionGenetics, part of Exact Sciences
Classification: Likely pathogenic for DNAH11-related condition. Last evaluated: 2026-09-24. Review status: criteria provided, single submitter. Criteria: ACMG Guidelines, 2015. Collection method: clinical testing. Allele origin: germline.
Comment: The DNAH11 c.8798-2A>G variant is predicted to disrupt the AG splice acceptor site and interfere with normal splicing. To our knowledge, this variant has not been reported in the literature or in a large population database (gnomAD), indicating this variant is rare. Variants that disrupt the consensus splice acceptor site in DNAH11 are expected to be pathogenic. This variant is interpreted as likely pathogenic.

Fulgent Genetics
Classification: Likely pathogenic for Primary ciliary dyskinesia 7. Last evaluated: 2024-03-28. Review status: criteria provided, single submitter. Criteria: ACMG Guidelines, 2015. Collection method: clinical testing. Allele origin: germline.

Labcorp Genetics (formerly Invitae), Labcorp
Classification: Likely pathogenic for Primary ciliary dyskinesia. Last evaluated: 2024-03-24. Review status: criteria provided, single submitter. Criteria: Invitae Variant Classification Sherloc (09022015). Collection method: clinical testing. Allele origin: germline.
Comment: This sequence change affects an acceptor splice site in intron 53 of the DNAH11 gene. It is expected to disrupt RNA splicing. Variants that disrupt the donor or acceptor splice site typically lead to a loss of protein function (PMID: 16199547), and loss-of-function variants in DNAH11 are known to be pathogenic (PMID: 18022865, 20513915, 22184204). This variant is not present in population databases (gnomAD no frequency). This variant has not been reported in the literature in individuals affected with DNAH11-related conditions. Algorithms developed to predict the effect of sequence changes on RNA splicing suggest that this variant may disrupt the consensus splice site. In summary, the currently available evidence indicates that the variant is pathogenic, but additional data are needed to prove that conclusively. Therefore, this variant has been classified as Likely Pathogenic.

Literature cited by the submitters: PubMed 16199547 (cited by Labcorp Genetics (formerly Invitae), Labcorp); PubMed 18022865 (cited by Labcorp Genetics (formerly Invitae), Labcorp); PubMed 20513915 (cited by Labcorp Genetics (formerly Invitae), Labcorp); PubMed 22184204 (cited by Labcorp Genetics (formerly Invitae), Labcorp).

NM_001277115.2(DNAH11):c.8798-2A>G

Gene: DNAH11 (dynein axonemal heavy chain 11; plus strand). Cytogenetic location: 7p15.3.
Variant type: single nucleotide variant.
Coding change: c.8798-2A>G on transcript NM_001277115.2 (MANE Select); the canonical splice acceptor site of the intron before coding-DNA position 8798, A replaced by G.
Molecular consequence: splice acceptor variant.
Genome position (GRCh38, 1-based): chr7:21,750,220, A>G. VCF-style: chr7-21750220-A-G. GRCh37 (hg19) VCF-style: chr7-21789838-A-G.
Other names: c.8798-2A>G (NM_001277115.1).
Identifiers: ClinVar variation 2895495 (VCV002895495.5), dbSNP rs2535136966, ClinGen allele CA366955948.
Genomic context (GRCh38, chr7:21,750,220, plus strand): 5'-AGTTATATGTAAAATTTAAATTGCAATGATCTTTTAGTAATTCTACTCATTCTTTGGGGC[A>G]GGAGAAATCCCAGATCTGTTCAGCGATGAAGATGTGGACAAGATAATTTCTGGAATTCAT-3'